The following is an entry in ClinVar:

ClinVar aggregate classification (germline): Conflicting classifications of pathogenicity. Review status: criteria provided, conflicting classifications (1 of 4 stars). 2 submissions from 2 submitters: Likely pathogenic (1); Uncertain significance (1). Last evaluated 2024-06-28.

Conditions:
Combined deficiency of sialidase AND beta galactosidase (GSL). Also called: NEURAMINIDASE DEFICIENCY WITH BETA-GALACTOSIDASE DEFICIENCY; NEURAMINIDASE/BETA-GALACTOSIDASE EXPRESSION; PPCA DEFICIENCY; PROTECTIVE PROTEIN/CATHEPSIN A DEFICIENCY; Galactosialidosis; CATHEPSIN A DEFICIENCY. Identifiers: Orphanet 351, MedGen C0268233, MONDO:0009737, OMIM 256540.

Submissions (2):

Labcorp Genetics (formerly Invitae), Labcorp
Classification: Uncertain significance for Combined deficiency of sialidase AND beta galactosidase. Last evaluated: 2024-06-28. Review status: criteria provided, single submitter. Criteria: Invitae Variant Classification Sherloc (09022015). Collection method: clinical testing. Allele origin: germline.
Comment: This variant, c.1438_1461del, results in the deletion of 8 amino acid(s) of the CTSA protein (p.Asp480_Thr487del), but otherwise preserves the integrity of the reading frame. This variant is not present in population databases (gnomAD no frequency). This variant has not been reported in the literature in individuals affected with CTSA-related conditions. ClinVar contains an entry for this variant (Variation ID: 1695016). Experimental studies and prediction algorithms are not available or were not evaluated, and the functional significance of this variant is currently unknown. In summary, the available evidence is currently insufficient to determine the role of this variant in disease. Therefore, it has been classified as a Variant of Uncertain Significance.

CeGaT Center for Human Genetics Tuebingen
Classification: Likely pathogenic. Last evaluated: 2022-05-01. Review status: criteria provided, single submitter. Criteria: CeGaT Center For Human Genetics Tuebingen Variant Classification Criteria Version 2. Collection method: clinical testing. Allele origin: germline. Affected: yes. Observed: 1 variant allele.
Comment: CTSA: PM2, PM4, PP4:Moderate

NM_000308.4(CTSA):c.1384_1407del (p.Asp462_Thr469del)

Gene: CTSA (cathepsin A; plus strand). Cytogenetic location: 20q13.12.
Variant type: Deletion.
Coding change: c.1384_1407del on transcript NM_000308.4 (MANE Select); coding-DNA positions 1384 to 1407, 24 bases deleted (GACAAGCCCCTCGCTGCCTTCACC).
Protein change: p.Asp462_Thr469del.
Molecular consequence: inframe deletion. On other transcripts: non-coding transcript variant (1).
Genome position (GRCh38, 1-based): chr20:45,898,391-45,898,414, GACAAGCCCCTCGCTGCCTTCACC deleted; deleting any 24 consecutive bases within chr20:45,898,387-45,898,414 gives the same sequence; the c. name uses the placement nearest the transcript's 3' end. VCF-style (leftmost placement, unchanged base first): chr20-45898386-CCACCGACAAGCCCCTCGCTGCCTT-C. GRCh37 (hg19) VCF-style: chr20-44527025-CCACCGACAAGCCCCTCGCTGCCTT-C.
Other names: c.1384_1407del, p.Asp462_Thr469del (NM_001127695.3); c.1333_1356del, p.Asp445_Thr452del (NM_001167594.3).
Identifiers: ClinVar variation 1695016 (VCV001695016.33), dbSNP rs2145825232, ClinGen allele CA2580098219.